The following is an entry in ClinVar:

ClinVar aggregate classification (germline): Likely benign (0 of 4 stars; one submission).

Conditions:
GNAI2-related disorder. Also called: GNAI2-related condition.

Allele frequency attached by ClinVar (database versions not stated): 1000 Genomes Project 0.00060; ESP Exome Variant Server 0.00023; TOPMed 0.00027; gnomAD exomes 0.00043; ExAC 0.00065; 1000 Genomes Project 30x 0.00047; gnomAD 0.00026.
gnomAD v4.1: 657 of 1,614,096 alleles (0.041%); highest among the groups gnomAD compares: South Asian, 0.38%; 5 homozygotes.

Submission:

PreventionGenetics, part of Exact Sciences
Classification: Likely benign for GNAI2-related condition. Last evaluated: 2019-08-20. Review status: no assertion criteria provided. Collection method: clinical testing. Allele origin: germline.
Comment: This variant is classified as likely benign based on ACMG/AMP sequence variant interpretation guidelines (Richards et al. 2015 PMID: 25741868, with internal and published modifications).

NM_002070.4(GNAI2):c.849C>T (p.Pro283=)

Gene: GNAI2 (G protein subunit alpha i2; plus strand). Cytogenetic location: 3p21.31.
Variant type: single nucleotide variant.
Coding change: c.849C>T on transcript NM_002070.4 (MANE Select); coding-DNA position 849, C replaced by T.
Protein change: p.Pro283=; no amino-acid change (proline 283 retained).
Molecular consequence: synonymous variant.
Genome position (GRCh38, 1-based): chr3:50,257,062, C>T. VCF-style: chr3-50257062-C-T. GRCh37 (hg19) VCF-style: chr3-50294494-C-T.
Other names: c.738C>T, p.Pro246= (NM_001166425.2); c.693C>T, p.Pro231= (NM_001282617.2); c.606C>T, p.Pro202= (NM_001282618.2); c.801C>T, p.Pro267= (NM_001282619.2, NM_001282620.2).
Identifiers: ClinVar variation 3052456 (VCV003052456.2), dbSNP rs139197363, ClinGen allele CA2413542.